The following is an entry in ClinVar:

NM_001103.4(ACTN2):c.937A>T (p.Met313Leu)

Gene: ACTN2 (actinin alpha 2; plus strand). Cytogenetic location: 1q43.
Variant type: single nucleotide variant.
Coding change: c.937A>T on transcript NM_001103.4 (MANE Select); coding-DNA position 937, A replaced by T.
Protein change: p.Met313Leu; replaces methionine 313 with leucine.
Molecular consequence: missense variant.
Genome position (GRCh38, 1-based): chr1:236,739,362, A>T. VCF-style: chr1-236739362-A-T. GRCh37 (hg19) VCF-style: chr1-236902662-A-T.
Other names: p.Met313Leu; c.937A>T (NM_001103.2); c.937A>T, p.Met313Leu (NM_001278343.2); c.313A>T, p.Met105Leu (NM_001278344.2); c.187A>T, p.Met63Leu (NM_001412150.1); short protein forms M105L, M313L, M63L.
Identifiers: ClinVar variation 1803012 (VCV001803012.6), dbSNP rs754373136, ClinGen allele CA1473014.

ClinVar aggregate classification (germline): Conflicting classifications of pathogenicity. Review status: criteria provided, conflicting classifications (1 of 4 stars). 3 submissions from 3 submitters: Uncertain significance (2); Likely benign (1). Last evaluated 2024-06-14.

Conditions:
Myopathy, congenital, with structured cores and z-line abnormalities. Also called: MULTIPLE STRUCTURED CORE DISEASE; CONGENITAL MYOPATHY 8. Identifiers: MedGen C5231445, MONDO:0032852, OMIM 618654.
Dilated cardiomyopathy 1AA (CMD1AA). Also called: Cardiomyopathy, dilated, 1AA, with or without LVNC; CARDIOMYOPATHY, DILATED, 1AA, WITH OR WITHOUT LEFT VENTRICULAR NONCOMPACTION; CARDIOMYOPATHY, FAMILIAL HYPERTROPHIC, 23, WITH OR WITHOUT LEFT VENTRICULAR NONCOMPACTION. Identifiers: Orphanet 154, MedGen C2677338, MONDO:0012808, OMIM 612158.
Primary familial hypertrophic cardiomyopathy (HCM). Identifiers: Orphanet 99739, MedGen C0949658, MeSH D024741, MONDO:0024573. Inheritance: Various modes of inheritance.

Allele frequency attached by ClinVar (database versions not stated): ExAC 0.00002; gnomAD 0.00001.
gnomAD v4.1: 15 of 1,613,986 alleles (0.00093%); highest among the groups gnomAD compares: South Asian, 0.016%; no homozygotes.

Submissions (3):

GeneDx
Classification: Uncertain significance. Last evaluated: 2024-06-14. Review status: criteria provided, single submitter. Criteria: GeneDx Variant Classification Process June 2021. Collection method: clinical testing. Allele origin: germline.
Comment: In silico analysis supports that this missense variant does not alter protein structure/function; Has not been previously published as pathogenic or benign to our knowledge

Labcorp Genetics (formerly Invitae), Labcorp
Classification: Likely benign for Primary familial hypertrophic cardiomyopathy; Dilated cardiomyopathy 1AA. Last evaluated: 2024-04-16. Review status: criteria provided, single submitter. Criteria: Invitae Variant Classification Sherloc (09022015). Collection method: clinical testing. Allele origin: germline.

Foundation for Research in Genetics and Endocrinology, FRIGE's Institute of Human Genetics
Classification: Uncertain significance for Myopathy, congenital, with structured cores and z-line abnormalities. Last evaluated: 2022-12-08. Review status: criteria provided, single submitter. Criteria: ACMG Guidelines, 2015. Collection method: clinical testing. Allele origin: germline. Inheritance: Autosomal dominant inheritance. Affected: yes. Observed: 1 heterozygote.
Comment: A heterozygous missense variation in exon 10 of the ACTN2 gene that results in the amino acid substitution of Leucine for Methionine at codon 313 (p.Met313Leu) was detected. The p.Met313Leu variant has not been reported in the 1000 genomes and gnomAD databases. The in silico predictions of the variant are possibly damaging by PolyPhen-2 (HumDiv) and damaging by LRT and MutationTaster2. The reference codon is conserved across species. In summary, the variant meets our criteria to be classified as uncertain significance.